The following is an entry in ClinVar:

ClinVar aggregate classification (germline): Benign (1 of 4 stars; one submission).

Conditions:
Familial adenomatous polyposis 1 (FAP1). Also called: POLYPOSIS, ADENOMATOUS INTESTINAL; FAMILIAL ADENOMATOUS POLYPOSIS 1, ATTENUATED. Identifiers: MedGen C2713442, MONDO:0021056, OMIM 175100. Disease mechanism: loss of function.

Allele frequency attached by ClinVar (database versions not stated): gnomAD exomes below 0.00001.
gnomAD v4.1: 6 of 1,613,776 alleles (0.00037%); highest among the groups gnomAD compares: South Asian, 0.0055%; no homozygotes.

Submission:

Myriad Genetics, Inc.
Classification: Benign for Familial adenomatous polyposis 1. Last evaluated: 2024-03-01. Review status: criteria provided, single submitter. Criteria: Myriad Autosomal Dominant, Autosomal Recessive and X-Linked Classification Criteria (2023). Collection method: clinical testing. Allele origin: unknown.
Comment: This variant is considered benign. This variant is a silent/synonymous amino acid change and it is not expected to impact splicing.

NM_000038.6(APC):c.1452A>G (p.Glu484=)

Gene: APC (APC regulator of Wnt signaling pathway; plus strand). Cytogenetic location: 5q22.2.
Variant type: single nucleotide variant.
Coding change: c.1452A>G on transcript NM_000038.6 (MANE Select); coding-DNA position 1452, A replaced by G.
Protein change: p.Glu484=; no amino-acid change (glutamic acid 484 retained).
Molecular consequence: synonymous variant.
Genome position (GRCh38, 1-based): chr5:112,827,151, A>G. VCF-style: chr5-112827151-A-G. GRCh37 (hg19) VCF-style: chr5-112162848-A-G.
Other names: c.1452A>G, p.Glu484= (NM_001127510.3, NM_001354895.2, NM_001407450.1); c.1398A>G, p.Glu466= (NM_001127511.3); c.1506A>G, p.Glu502= (NM_001354896.2, NM_001407447.1, NM_001407448.1 and 1 more transcripts); c.1482A>G, p.Glu494= (NM_001354897.2); c.1377A>G, p.Glu459= (NM_001354898.2); c.1368A>G, p.Glu456= (NM_001354899.2); c.1329A>G, p.Glu443= (NM_001354900.2); c.1275A>G, p.Glu425= (NM_001354901.2, NM_001407453.1); and 11 more.
Identifiers: ClinVar variation 3148087 (VCV003148087.1), dbSNP rs1350430751, ClinGen allele CA445755918.